The following is an entry in ClinVar:

NM_018706.7(DHTKD1):c.554C>T (p.Ser185Leu)

Gene: DHTKD1 (dehydrogenase E1 and transketolase domain containing 1; plus strand). Cytogenetic location: 10p14.
Variant type: single nucleotide variant.
Coding change: c.554C>T on transcript NM_018706.7 (MANE Select); coding-DNA position 554, C replaced by T.
Protein change: p.Ser185Leu; replaces serine 185 with leucine.
Molecular consequence: missense variant.
Genome position (GRCh38, 1-based): chr10:12,087,566, C>T. VCF-style: chr10-12087566-C-T. GRCh37 (hg19) VCF-style: chr10-12129565-C-T.
Other names: short protein forms S185L.
Identifiers: ClinVar variation 2176728 (VCV002176728.3), dbSNP rs149544379, ClinGen allele CA202581739.

ClinVar aggregate classification (germline): Uncertain significance (1 of 4 stars; one submission).

Conditions:
2-aminoadipic 2-oxoadipic aciduria (AAKAD). Also called: ALPHA-AMINOADIPIC AND ALPHA-KETOADIPIC ACIDURIA; Aminoadipic aciduria. Identifiers: Orphanet 79154, MedGen C1859817, MONDO:0008774, OMIM 204750.

Allele frequency attached by ClinVar (database versions not stated): gnomAD exomes 0.00002; TOPMed 0.00006; gnomAD 0.00007; ESP Exome Variant Server 0.00008.
gnomAD v4.1: 38 of 1,608,578 alleles (0.0024%); highest among the groups gnomAD compares: African/African-American, 0.016%; no homozygotes.

Submission:

Labcorp Genetics (formerly Invitae), Labcorp
Classification: Uncertain significance for 2-aminoadipic 2-oxoadipic aciduria. Last evaluated: 2025-10-29. Review status: criteria provided, single submitter. Criteria: Invitae Variant Classification Sherloc (09022015). Collection method: clinical testing. Allele origin: germline.
Comment: This sequence change replaces serine, which is neutral and polar, with leucine, which is neutral and non-polar, at codon 185 of the DHTKD1 protein (p.Ser185Leu). This variant is present in population databases (rs149544379, gnomAD 0.007%). This missense change has been observed in individual(s) with amyotrophic lateral sclerosis (PMID: 35052424). ClinVar contains an entry for this variant (Variation ID: 2176728). Invitae Evidence Modeling of protein sequence and biophysical properties (such as structural, functional, and spatial information, amino acid conservation, physicochemical variation, residue mobility, and thermodynamic stability) indicates that this missense variant is not expected to disrupt DHTKD1 protein function with a negative predictive value of 80%. In summary, the available evidence is currently insufficient to determine the role of this variant in disease. Therefore, it has been classified as a Variant of Uncertain Significance.

Literature cited by the submitters: PubMed 35052424.